The following is an entry in ClinVar:

ClinVar aggregate classification (germline): Conflicting classifications of pathogenicity. Review status: criteria provided, conflicting classifications (1 of 4 stars). 4 submissions from 4 submitters: Uncertain significance (3); Likely benign (1). Last evaluated 2025-12-28.

Conditions:
POLD1-related polyposis and colorectal cancer syndrome (CRCS10). Also called: Colorectal cancer 10; COLORECTAL CANCER, SUSCEPTIBILITY TO, ON CHROMOSOME 19q; Colorectal cancer, susceptibility to, 10. Identifiers: Orphanet 220460, MedGen C2675481, MONDO:0012953, OMIM 612591.
Hereditary cancer-predisposing syndrome. Also called: Tumor predisposition; Neoplastic Syndromes, Hereditary; Hereditary Cancer Syndrome; Hereditary neoplastic syndrome. Identifiers: Orphanet 140162, MedGen C0027672, MeSH D009386, MONDO:0015356.

gnomAD v4.1: 9 of 1,612,312 alleles (0.00056%); highest among the groups gnomAD compares: Non-Finnish European, 0.00068%; no homozygotes.

Submissions (4):

Labcorp Genetics (formerly Invitae), Labcorp
Classification: Uncertain significance for POLD1-related polyposis and colorectal cancer syndrome. Last evaluated: 2025-12-28. Review status: criteria provided, single submitter. Criteria: Invitae Variant Classification Sherloc (09022015). Collection method: clinical testing. Allele origin: germline.
Comment: This sequence change replaces isoleucine, which is neutral and non-polar, with methionine, which is neutral and non-polar, at codon 260 of the POLD1 protein (p.Ile260Met). This variant is present in population databases (no rsID available, gnomAD 0.0009%). This variant has not been reported in the literature in individuals affected with POLD1-related conditions. ClinVar contains an entry for this variant (Variation ID: 577213). Invitae Evidence Modeling of protein sequence and biophysical properties (such as structural, functional, and spatial information, amino acid conservation, physicochemical variation, residue mobility, and thermodynamic stability) indicates that this missense variant is not expected to disrupt POLD1 protein function with a negative predictive value of 80%. In summary, the available evidence is currently insufficient to determine the role of this variant in disease. Therefore, it has been classified as a Variant of Uncertain Significance.

Ambry Genetics
Classification: Likely benign for Hereditary cancer-predisposing syndrome. Last evaluated: 2025-03-11. Review status: criteria provided, single submitter. Criteria: Ambry Variant Classification Scheme 2023. Collection method: clinical testing. Allele origin: germline.

GeneDx
Classification: Uncertain significance. Last evaluated: 2024-06-16. Review status: criteria provided, single submitter. Criteria: GeneDx Variant Classification Process June 2021. Collection method: clinical testing. Allele origin: germline. Affected: yes.
Comment: Not observed at significant frequency in large population cohorts (gnomAD); In silico analysis indicates that this missense variant does not alter protein structure/function; Has not been previously published as pathogenic or benign to our knowledge

Quest Diagnostics Nichols Institute San Juan Capistrano
Classification: Uncertain significance. Last evaluated: 2017-09-12. Review status: criteria provided, single submitter. Criteria: Quest Diagnostics criteria. Collection method: clinical testing. Allele origin: germline.

NM_002691.4(POLD1):c.780C>G (p.Ile260Met)

Gene: POLD1 (DNA polymerase delta 1, catalytic subunit; plus strand). Cytogenetic location: 19q13.33.
Variant type: single nucleotide variant.
Coding change: c.780C>G on transcript NM_002691.4 (MANE Select); coding-DNA position 780, C replaced by G.
Protein change: p.Ile260Met; replaces isoleucine 260 with methionine.
Molecular consequence: missense variant. On other transcripts: non-coding transcript variant (1).
Genome position (GRCh38, 1-based): chr19:50,402,475, C>G. VCF-style: chr19-50402475-C-G. GRCh37 (hg19) VCF-style: chr19-50905732-C-G.
Other names: c.780C>G, p.Ile260Met (NM_001256849.1, NM_001308632.1); c.780C>G (NM_002691.2); short protein forms I260M.
Identifiers: ClinVar variation 577213 (VCV000577213.13), dbSNP rs762155346, ClinGen allele CA406974862.